The following is an entry in ClinVar:

NM_014014.5(SNRNP200):c.3308G>A (p.Gly1103Asp)

Gene: SNRNP200 (small nuclear ribonucleoprotein U5 subunit 200; minus strand). Cytogenetic location: 2q11.2.
Variant type: single nucleotide variant.
Coding change: c.3308G>A on transcript NM_014014.5 (MANE Select); coding-DNA position 3308, G replaced by A.
Protein change: p.Gly1103Asp; replaces glycine 1103 with aspartic acid.
Molecular consequence: missense variant.
Genome position (GRCh38, 1-based): chr2:96,287,920, C>T on the plus strand (G>A on the coding strand, the complement: SNRNP200 is on the minus strand). VCF-style: chr2-96287920-C-T. GRCh37 (hg19) VCF-style: chr2-96953658-C-T.
Other names: short protein forms G1103D.
Identifiers: ClinVar variation 2130061 (VCV002130061.4), dbSNP rs774478481, ClinGen allele CA1778486.

ClinVar aggregate classification (germline): Uncertain significance (1 of 4 stars; one submission).

Allele frequency attached by ClinVar (database versions not stated): gnomAD 0.00001; gnomAD exomes 0.00001; ExAC 0.00002.
gnomAD v4.1: 11 of 1,614,106 alleles (0.00068%); highest among the groups gnomAD compares: South Asian, 0.0099%; no homozygotes.

Submission:

Labcorp Genetics (formerly Invitae), Labcorp
Classification: Uncertain significance. Last evaluated: 2022-04-24. Review status: criteria provided, single submitter. Criteria: Invitae Variant Classification Sherloc (09022015). Collection method: clinical testing. Allele origin: germline.
Comment: In summary, the available evidence is currently insufficient to determine the role of this variant in disease. Therefore, it has been classified as a Variant of Uncertain Significance. Algorithms developed to predict the effect of missense changes on protein structure and function are either unavailable or do not agree on the potential impact of this missense change (SIFT: "Deleterious"; PolyPhen-2: "Probably Damaging"; Align-GVGD: "Class C0"). This variant has not been reported in the literature in individuals affected with SNRNP200-related conditions. This variant is present in population databases (rs774478481, gnomAD 0.006%). This sequence change replaces glycine, which is neutral and non-polar, with aspartic acid, which is acidic and polar, at codon 1103 of the SNRNP200 protein (p.Gly1103Asp).